The following is an entry in ClinVar:

NM_021067.5(GINS1):c.169_190del (p.Asp57fs)

Gene: GINS1 (GINS complex subunit 1; plus strand). Cytogenetic location: 20p11.21.
Variant type: Deletion.
Coding change: c.169_190del on transcript NM_021067.5 (MANE Select); coding-DNA positions 169 to 190, 22 bases deleted (GATTTGATACCAACTATCAAAT).
Protein change: p.Asp57fs; shifts the reading frame from aspartic acid 57.
Molecular consequence: frameshift variant. On other transcripts: non-coding transcript variant (1), intron variant (1).
Genome position (GRCh38, 1-based): chr20:25,417,132-25,417,153, GATTTGATACCAACTATCAAAT deleted; deleting any 22 consecutive bases within chr20:25,417,131-25,417,153 gives the same sequence; the c. name uses the placement nearest the transcript's 3' end. VCF-style (leftmost placement, unchanged base first): chr20-25417130-GTGATTTGATACCAACTATCAAA-G. GRCh37 (hg19) VCF-style: chr20-25397766-GTGATTTGATACCAACTATCAAA-G.
Other names: c.169_190del, p.Asp57fs (NM_001410830.1); c.76-8079_76-8058del (NM_001410831.1); short protein forms D57fs.
Identifiers: ClinVar variation 4736547 (VCV004736547.1).

ClinVar aggregate classification (germline): Uncertain significance (1 of 4 stars; one submission).

Submission:

Labcorp Genetics (formerly Invitae), Labcorp
Classification: Uncertain significance. Last evaluated: 2026-02-01. Review status: criteria provided, single submitter. Criteria: Invitae Variant Classification Sherloc (09022015). Collection method: clinical testing. Allele origin: germline.
Comment: This sequence change creates a premature translational stop signal (p.Asp57Phefs*7) in the GINS1 gene. It is expected to result in an absent or disrupted protein product. However, the current clinical and genetic evidence is not sufficient to establish whether loss-of-function variants in GINS1 cause disease. This variant is not present in population databases (gnomAD no frequency). This variant has not been reported in the literature in individuals affected with GINS1-related conditions. In summary, the available evidence is currently insufficient to determine the role of this variant in disease. Therefore, it has been classified as a Variant of Uncertain Significance.